The following is an entry in ClinVar:

NM_005475.3(SH2B3):c.5A>C (p.Asn2Thr)

Gene: SH2B3 (SH2B adaptor protein 3; plus strand). Cytogenetic location: 12q24.12.
Variant type: single nucleotide variant.
Coding change: c.5A>C on transcript NM_005475.3 (MANE Select); coding-DNA position 5, A replaced by C.
Protein change: p.Asn2Thr; replaces asparagine 2 with threonine.
Molecular consequence: missense variant.
Genome position (GRCh38, 1-based): chr12:111,418,150, A>C. VCF-style: chr12-111418150-A-C. GRCh37 (hg19) VCF-style: chr12-111855954-A-C.
Other names: short protein forms N2T.
Identifiers: ClinVar variation 4864389 (VCV004864389.1).

ClinVar aggregate classification (germline): Uncertain significance (1 of 4 stars; one submission).

Conditions:
Inborn genetic diseases. Identifiers: MedGen C0950123, MeSH D030342.

Submission:

Ambry Genetics
Classification: Uncertain significance for Inborn genetic diseases. Last evaluated: 2026-03-18. Review status: criteria provided, single submitter. Criteria: Ambry Variant Classification Scheme 2023. Collection method: clinical testing. Allele origin: germline.
Comment: The p.N2T variant (also known as c.5A>C), located in coding exon 1 of the SH2B3 gene, results from an A to C substitution at nucleotide position 5. The asparagine at codon 2 is replaced by threonine, an amino acid with similar properties. This amino acid position is conserved. In addition, this alteration is predicted to be tolerated by in silico analysis. Based on the available evidence, the clinical significance of this variant remains unclear.